The following is an entry in ClinVar:

NM_000051.4(ATM):c.1200T>C (p.Leu400=)

Gene: ATM (ATM serine/threonine kinase; plus strand). Cytogenetic location: 11q22.3.
Variant type: single nucleotide variant.
Coding change: c.1200T>C on transcript NM_000051.4 (MANE Select); coding-DNA position 1200, T replaced by C.
Protein change: p.Leu400=; no amino-acid change (leucine 400 retained).
Molecular consequence: synonymous variant.
Genome position (GRCh38, 1-based): chr11:108,249,067, T>C. VCF-style: chr11-108249067-T-C. GRCh37 (hg19) VCF-style: chr11-108119794-T-C.
Other names: c.1200T>C, p.Leu400= (NM_001351834.2).
Identifiers: ClinVar variation 1087164 (VCV001087164.39), dbSNP rs1274342103, ClinGen allele CA476671777.

ClinVar aggregate classification (germline): Likely benign. Review status: criteria provided, multiple submitters, no conflicts (2 of 4 stars). 2 submissions from 2 submitters: Likely benign (2). Last evaluated 2022-06-01.

Conditions:
Ataxia-telangiectasia syndrome (AT). Also called: Ataxia-telangiectasia, complementation group E; ATAXIA-TELANGIECTASIA, COMPLEMENTATION GROUP A; ATAXIA-TELANGIECTASIA, FRESNO VARIANT; Ataxia-telangiectasia; LOUIS-BAR SYNDROME; Cerebello-oculocutaneous telangiectasia. Identifiers: Orphanet 100, MedGen C0004135, MONDO:0008840, OMIM 208900.

Allele frequency attached by ClinVar (database versions not stated): gnomAD exomes below 0.00001.
gnomAD v4.1: 1 of 1,614,018 alleles (0.000062%); highest among the groups gnomAD compares: South Asian, 0.0011%; no homozygotes.

Submissions (2):

CeGaT Center for Human Genetics Tuebingen
Classification: Likely benign. Last evaluated: 2022-06-01. Review status: criteria provided, single submitter. Criteria: CeGaT Center For Human Genetics Tuebingen Variant Classification Criteria Version 2. Collection method: clinical testing. Allele origin: germline. Affected: yes. Observed: 1 variant allele.
Comment: ATM: BP4, BP7

Labcorp Genetics (formerly Invitae), Labcorp
Classification: Likely benign for Ataxia-telangiectasia syndrome. Last evaluated: 2022-04-07. Review status: criteria provided, single submitter. Criteria: Invitae Variant Classification Sherloc (09022015). Collection method: clinical testing. Allele origin: germline.